The following is an entry in ClinVar:

ClinVar aggregate classification (germline): Uncertain significance. Review status: criteria provided, multiple submitters, no conflicts (2 of 4 stars). 2 submissions from 2 submitters: Uncertain significance (2). Last evaluated 2026-07-29.

Conditions:
Basal cell carcinoma, susceptibility to, 1. Also called: BCC1. Identifiers: MedGen C2751544, MONDO:0011556, OMIM 605462.
Hereditary cancer-predisposing syndrome. Also called: Hereditary neoplastic syndrome; Hereditary Cancer Syndrome; Neoplastic Syndromes, Hereditary; Tumor predisposition. Identifiers: Orphanet 140162, MedGen C0027672, MeSH D009386, MONDO:0015356.

gnomAD v4.1: 3 of 1,614,178 alleles (0.00019%); highest among the groups gnomAD compares: Non-Finnish European, 0.00025%; no homozygotes.

Submissions (2):

Ambry Genetics
Classification: Uncertain significance for Hereditary cancer-predisposing syndrome. Last evaluated: 2026-07-29. Review status: criteria provided, single submitter. Criteria: Ambry Variant Classification Scheme 2023. Collection method: clinical testing. Allele origin: germline.
Comment: The p.T778K variant (also known as c.2333C>A), located in coding exon 15 of the PTCH1 gene, results from a C to A substitution at nucleotide position 2333. The threonine at codon 778 is replaced by lysine, an amino acid with similar properties. This amino acid position is conserved. In addition, this alteration is predicted to be deleterious by in silico analysis. Based on the available evidence, the clinical significance of this variant remains unclear.

Baylor Genetics
Classification: Uncertain significance for Basal cell carcinoma, susceptibility to, 1. Last evaluated: 2023-08-25. Review status: criteria provided, single submitter. Criteria: ACMG Guidelines, 2015. Collection method: clinical testing. Allele origin: unknown.

NM_000264.5(PTCH1):c.2333C>A (p.Thr778Lys)

Genes: PTCH1 (patched 1; minus strand), LOC100507346 (uncharacterized LOC100507346; plus strand). Cytogenetic location: 9q22.32.
Variant type: single nucleotide variant.
Coding change: c.2333C>A on transcript NM_000264.5 (MANE Select); coding-DNA position 2333, C replaced by A.
Protein change: p.Thr778Lys; replaces threonine 778 with lysine.
Molecular consequence: missense variant. On other transcripts: non-coding transcript variant (1).
Genome position (GRCh38, 1-based): chr9:95,467,343, G>T on the plus strand (C>A on the coding strand, the complement: PTCH1 is on the minus strand). VCF-style: chr9-95467343-G-T. GRCh37 (hg19) VCF-style: chr9-98229625-G-T.
Other names: c.2135C>A, p.Thr712Lys (NM_001083602.3); c.2330C>A, p.Thr777Lys (NM_001083603.3); c.1880C>A, p.Thr627Lys (NM_001083604.3, NM_001083605.3, NM_001083606.3 and 1 more transcripts); c.2177C>A, p.Thr726Lys (NM_001354918.2); short protein forms T627K, T712K, T726K, T777K, T778K.
Identifiers: ClinVar variation 2678078 (VCV002678078.3), dbSNP rs747762028, ClinGen allele CA374114575.